The following is an entry in ClinVar:

GRCh37/hg19 12q24.31(chr12:121882818-122666131)x1

Genes: BCL7A (BAF chromatin remodeling complex subunit BCL7A; plus strand), CFAP251 (cilia and flagella associated protein 251; plus strand), HPD (4-hydroxyphenylpyruvate dioxygenase; minus strand), IL31 (interleukin 31; minus strand), KDM2B (lysine demethylase 2B; minus strand) and 8 more. Cytogenetic location: 12q24.31.
Variant type: copy number loss.
Change: copy number 1 (one copy instead of two) of chr12:121,882,818-122,666,131 (783.3 kb, GRCh37 coordinates, 1-based), cytogenetic band 12q24.31.
Identifiers: ClinVar variation 1527743 (VCV001527743.4).

ClinVar aggregate classification (germline): no classifications from unflagged records (0 of 4 stars; one submission).

Submission:

ARUP Laboratories, Cytogenetics and Genomic Microarray, ARUP Laboratories
Classification: Pathogenic. Last evaluated: 2026-02-02. Review status: flagged submission. Criteria: ARUP Cytogenomic Constitutional CNV Assertion Criteria. Collection method: clinical testing. Allele origin: germline. Observed: 1 variant allele.
ClinVar note: Notes: This submission was flagged because its interpretation of this variant conflicts with the ClinGen Gene Dosage Map curation for the gene SETD1B.
ClinVar note: Reason: Conflict with ClinGen Gene Dosage Map